The following is an entry in ClinVar:

NM_003118.4(SPARC):c.*47C>T

Genes: SPARC (secreted protein acidic and cysteine rich; minus strand), LOC126807556 (MED14-independent group 3 enhancer GRCh37_chr5:151042798-151043997; plus strand). Cytogenetic location: 5q33.1.
Variant type: single nucleotide variant.
Coding change: c.*47C>T on transcript NM_003118.4 (MANE Select); 47 bases downstream of the stop codon, C replaced by T.
Molecular consequence: 3 prime UTR variant. On other transcripts: synonymous variant (1).
Genome position (GRCh38, 1-based): chr5:151,663,524, G>A on the plus strand (C>T on the coding strand, the complement: SPARC is on the minus strand). VCF-style: chr5-151663524-G-A. GRCh37 (hg19) VCF-style: chr5-151043085-G-A.
Other names: c.*47C>T (NM_001309443.2); c.957C>T, p.Phe319= (NM_001309444.2).
Identifiers: ClinVar variation 3031376 (VCV003031376.2), dbSNP rs745827933, ClinGen allele CA3522520.
Genomic context (GRCh38, chr5:151,663,524, plus strand): 5'-CACCTTGTCTCCAGGCAGAACAACAAACCATCCAAACATTTTAAACATTGGGGGAAACAC[G>A]AAGGGGAGGGTTAAAGAGAGAATCCGGTACTGTGGAAGGAGTGGATTTAGATCACAAGAT-3'

ClinVar aggregate classification (germline): Likely benign (0 of 4 stars; one submission).

Conditions:
SPARC-related disorder. Also called: SPARC-related condition.

Allele frequency attached by ClinVar (database versions not stated): gnomAD 0.00001; gnomAD exomes 0.00001; TOPMed 0.00001; ExAC 0.00002.
gnomAD v4.1: 12 of 1,574,562 alleles (0.00076%); highest among the groups gnomAD compares: South Asian, 0.0067%; no homozygotes.

Submission:

PreventionGenetics, part of Exact Sciences
Classification: Likely benign for SPARC-related condition. Last evaluated: 2022-04-05. Review status: no assertion criteria provided. Collection method: clinical testing. Allele origin: germline.
Comment: This variant is classified as likely benign based on ACMG/AMP sequence variant interpretation guidelines (Richards et al. 2015 PMID: 25741868, with internal and published modifications).